The following is an entry in ClinVar:

ClinVar aggregate classification (germline): Pathogenic (1 of 4 stars; one submission).

Conditions:
Primary ciliary dyskinesia. Also called: Ciliary dyskinesia. Identifiers: Orphanet 244, MedGen C0008780, MONDO:0016575, HP:0012265.

Submission:

Labcorp Genetics (formerly Invitae), Labcorp
Classification: Pathogenic for Primary ciliary dyskinesia. Last evaluated: 2022-03-11. Review status: criteria provided, single submitter. Criteria: Invitae Variant Classification Sherloc (09022015). Collection method: clinical testing. Allele origin: germline.
Comment: For these reasons, this variant has been classified as Pathogenic. This variant has not been reported in the literature in individuals affected with DNAH11-related conditions. This variant is not present in population databases (gnomAD no frequency). This sequence change creates a premature translational stop signal (p.Tyr3420*) in the DNAH11 gene. It is expected to result in an absent or disrupted protein product. Loss-of-function variants in DNAH11 are known to be pathogenic (PMID: 18022865, 20513915, 22184204).

Literature cited by the submitters: PubMed 18022865; PubMed 20513915; PubMed 22184204.

NM_001277115.2(DNAH11):c.10260C>A (p.Tyr3420Ter)

Gene: DNAH11 (dynein axonemal heavy chain 11; plus strand). Cytogenetic location: 7p15.3.
Variant type: single nucleotide variant.
Coding change: c.10260C>A on transcript NM_001277115.2 (MANE Select); coding-DNA position 10260, C replaced by A.
Protein change: p.Tyr3420Ter; replaces tyrosine 3420 with a stop codon.
Molecular consequence: nonsense.
Genome position (GRCh38, 1-based): chr7:21,807,977, C>A. VCF-style: chr7-21807977-C-A. GRCh37 (hg19) VCF-style: chr7-21847595-C-A.
Other names: c.10281C>A, p.Tyr3427Ter (NM_003777.3); short protein forms Y3420*, Y3427*.
Identifiers: ClinVar variation 2051269 (VCV002051269.4), dbSNP rs1789346276, ClinGen allele CA366946293.